The following is an entry in ClinVar:

ClinVar aggregate classification (germline): Uncertain significance (1 of 4 stars; one submission).

Submission:

GeneDx
Classification: Uncertain significance. Last evaluated: 2025-04-15. Review status: criteria provided, single submitter. Criteria: GeneDx Variant Classification Process June 2021. Collection method: clinical testing. Allele origin: germline. Affected: yes.
Comment: Not observed at significant frequency in large population cohorts (gnomAD); In silico analysis supports that this missense variant has a deleterious effect on protein structure/function; Has not been previously published as pathogenic or benign to our knowledge

NM_001271.4(CHD2):c.1436G>A (p.Gly479Glu)

Gene: CHD2 (chromodomain helicase DNA binding protein 2; plus strand). Cytogenetic location: 15q26.1.
Variant type: single nucleotide variant.
Coding change: c.1436G>A on transcript NM_001271.4 (MANE Select); coding-DNA position 1436, G replaced by A.
Protein change: p.Gly479Glu; replaces glycine 479 with glutamic acid.
Molecular consequence: missense variant.
Genome position (GRCh38, 1-based): chr15:92,949,010, G>A. VCF-style: chr15-92949010-G-A. GRCh37 (hg19) VCF-style: chr15-93492240-G-A.
Other names: c.1436G>A, p.Gly479Glu (NM_001042572.3); short protein forms G479E.
Identifiers: ClinVar variation 4282204 (VCV004282204.1).
Genomic context (GRCh38, chr15:92,949,010, plus strand): 5'-AGGCCCTGAAGCAGAGACCACGATTTGTAGCTTTAAAGAAACAACCTGCATATTTAGGAG[G>A]GGAGAATCTGGAACTTCGAGATTATCAGCTAGAAGGTCTAAACTGGCTAGCTCATTCCTG-3'
Protein context (NP_001262.3, residues 469-489): ALKKQPAYLG[Gly479Glu]ENLELRDYQL